The following is an entry in ClinVar:

ClinVar aggregate classification (germline): Conflicting classifications of pathogenicity. Review status: criteria provided, conflicting classifications (1 of 4 stars). 5 submissions from 5 submitters: Uncertain significance (2); Likely benign (1). 2 of the submissions do not count toward it. Last evaluated 2025-09-04.

Conditions:
Arrhythmogenic right ventricular dysplasia 9 (ARVD9). Also called: Arrhythmogenic Right Ventricular Dysplasia/Cardiomyopathy 9; ARRHYTHMOGENIC RIGHT VENTRICULAR DYSPLASIA, FAMILIAL, 9. Identifiers: MedGen C1836906, MONDO:0012180, OMIM 609040.
Cardiomyopathy (CMYO). Also called: Cardiomyopathies. Identifiers: Orphanet 167848, MedGen C0878544, MONDO:0004994, HP:0001638. Inheritance: Various modes of inheritance.

Allele frequency attached by ClinVar (database versions not stated): gnomAD exomes below 0.00001 and 0.00001; TOPMed below 0.00001; gnomAD 0.00003.

Submissions (5):

Women's Health and Genetics/Laboratory Corporation of America, LabCorp
Classification: Uncertain significance. Last evaluated: 2025-09-04. Review status: criteria provided, single submitter. Criteria: LabCorp Variant Classification Summary - May 2015. Collection method: clinical testing. Allele origin: germline.
Comment: Variant summary: PKP2 c.1035-11delT alters a nucleotide located at a position not widely known to affect splicing. Several computational tools predict a significant impact on normal splicing: One predict the variant no significant impact on splicing. Two predict the variant weakens a 3' acceptor site. One predict the variant abolishes a 3' acceptor site. However, these predictions have yet to be confirmed by functional studies. The variant allele was found at a frequency of 4e-06 in 251092 control chromosomes. The available data on variant occurrences in the general population are insufficient to allow any conclusion about variant significance. To our knowledge, no occurrence of c.1035-11delT in individuals affected with PKP2-related conditions and no experimental evidence demonstrating its impact on protein function have been reported. ClinVar contains an entry for this variant (Variation ID: 919056). Based on the evidence outlined above, the variant was classified as uncertain significance.

Labcorp Genetics (formerly Invitae), Labcorp
Classification: Likely benign for Arrhythmogenic right ventricular dysplasia 9. Last evaluated: 2024-10-12. Review status: criteria provided, single submitter. Criteria: Invitae Variant Classification Sherloc (09022015). Collection method: clinical testing. Allele origin: germline.

Color Diagnostics, LLC DBA Color Health
Classification: Uncertain significance for Cardiomyopathy. Last evaluated: 2019-09-10. Review status: criteria provided, single submitter. Criteria: ACMG Guidelines, 2015. Collection method: clinical testing. Allele origin: germline.
Comment: This variant causes a deletion of 1 nucleotide in intron 3 of the PKP2 gene. To our knowledge, functional studies have not been performed for this variant. This variant has not been reported in individuals affected with cardiovascular disorders in the literature. This variant has been identified in 3/282494 chromosomes in the general population by the Genome Aggregation Database (gnomAD). The available evidence is insufficient to determine the role of this variant in disease conclusively. Therefore, this variant is classified as a Variant of Uncertain Significance.

Clinical Genetics, Academic Medical Center
Classification: Likely benign. Review status: no assertion criteria provided. Collection method: clinical testing. Allele origin: germline. Affected: yes. Study: VKGL Data-share Consensus. Not counted in ClinVar's aggregate classification.

Joint Genome Diagnostic Labs from Nijmegen and Maastricht, Radboudumc and MUMC+
Classification: Likely benign. Review status: no assertion criteria provided. Collection method: clinical testing. Allele origin: germline. Affected: yes. Study: VKGL Data-share Consensus. Not counted in ClinVar's aggregate classification.

NM_001005242.3(PKP2):c.1035-11del

Gene: PKP2 (plakophilin 2; minus strand). Cytogenetic location: 12p11.21.
Variant type: Deletion.
Coding change: c.1035-11del on transcript NM_001005242.3 (MANE Select); 11 bases into the intron before coding-DNA position 1035, one base deleted (T; older notation c.1035-11delT).
Molecular consequence: intron variant.
Genome position (GRCh38, 1-based): chr12:32,869,073, A deleted on the plus strand (T on the coding strand, the reverse complement: PKP2 is on the minus strand). VCF-style (leftmost placement, unchanged base first): chr12-32869072-CA-C. GRCh37 (hg19) VCF-style: chr12-33022006-CA-C.
Other names: c.1035-11del (NM_004572.4); c.1035-11delT (NM_004572.4).
Identifiers: ClinVar variation 919056 (VCV000919056.11), dbSNP rs1393167652, ClinGen allele CA604231045.
Genomic context (GRCh38, chr12:32,869,072, plus strand): 5'-GCCTCGAGCATACTCACTGCTCGCTCCAGAGTCATCTCCATGTCTGCATTCCTAGACAAA[CA>C]GGCACAGATTCAGCCAGATTCCAAACCTCCCTCCTCCTGCCTACCAACCTGGTCCTCCAG-3'